The following is an entry in ClinVar:

ClinVar aggregate classification (germline): Likely pathogenic. Review status: criteria provided, single submitter (1 of 4 stars). 2 submissions from 2 submitters: Likely pathogenic (1). 1 of the submissions does not count toward it. Last evaluated 2025-06-01.

Conditions:
Radioulnar synostosis. Also called: Congenital radioulnar synostosis. Identifiers: Orphanet 3269, MedGen C0158761, MONDO:0017985, HP:0002974.

Submissions (2):

CeGaT Center for Human Genetics Tuebingen
Classification: Likely pathogenic. Last evaluated: 2025-06-01. Review status: criteria provided, single submitter. Criteria: CeGaT Center For Human Genetics Tuebingen Variant Classification Criteria Version 2. Collection method: clinical testing. Allele origin: germline. Affected: yes. Observed: 1 variant allele.
Comment: SMAD6: PVS1:Strong, PS2:Moderate

The Laboratory of Genetics and Metabolism, Hunan Children’s Hospital
Classification: Pathogenic for Radioulnar synostosis. Last evaluated: 2020-06-20. Review status: no assertion criteria provided. Collection method: research. Allele origin: paternal. Affected: yes. Not counted in ClinVar's aggregate classification.

NM_005585.5(SMAD6):c.136del (p.Ala46fs)

Gene: SMAD6 (SMAD family member 6; plus strand). Cytogenetic location: 15q22.31.
Variant type: Deletion.
Coding change: c.136del on transcript NM_005585.5 (MANE Select); coding-DNA position 136, one base deleted (G; older notation c.136delG).
Protein change: p.Ala46fs; shifts the reading frame from alanine 46.
Molecular consequence: frameshift variant. On other transcripts: non-coding transcript variant (1).
Genome position (GRCh38, 1-based): chr15:66,703,394, G deleted; the last of 2 consecutive G bases (chr15:66,703,393-66,703,394); deleting either gives the same sequence. VCF-style (leftmost placement, unchanged base first): chr15-66703392-CG-C. GRCh37 (hg19) VCF-style: chr15-66995730-CG-C.
Other names: c.135delG (NM_005585.5); short protein forms A46fs.
Identifiers: ClinVar variation 1174557 (VCV001174557.10), dbSNP rs2140580751, ClinGen allele CA2573054070.